The following is an entry in ClinVar:

ClinVar aggregate classification (germline): Uncertain significance. Review status: criteria provided, multiple submitters, no conflicts (2 of 4 stars). 2 submissions from 2 submitters: Uncertain significance (2). Last evaluated 2025-11-16.

Conditions:
Pseudohypoaldosteronism, type IB3, autosomal recessive (PHA1B3). Identifiers: MedGen C5774256, MONDO:0859318, OMIM 620126.
Bronchiectasis with or without elevated sweat chloride 3 (BESC3). Identifiers: Orphanet 60033, MedGen C2751324, MONDO:0013112, OMIM 613071.
Liddle syndrome 2. Identifiers: MedGen C4748251, MONDO:0020854, OMIM 618114.

Submissions (2):

Labcorp Genetics (formerly Invitae), Labcorp
Classification: Uncertain significance. Last evaluated: 2025-11-16. Review status: criteria provided, single submitter. Criteria: Invitae Variant Classification Sherloc (09022015). Collection method: clinical testing. Allele origin: germline.
Comment: This sequence change replaces histidine, which is basic and polar, with arginine, which is basic and polar, at codon 88 of the SCNN1G protein (p.His88Arg). This variant is present in population databases (rs766420204, gnomAD 0.003%). This variant has not been reported in the literature in individuals affected with SCNN1G-related conditions. ClinVar contains an entry for this variant (Variation ID: 3579890). Invitae Evidence Modeling of protein sequence and biophysical properties (such as structural, functional, and spatial information, amino acid conservation, physicochemical variation, residue mobility, and thermodynamic stability) indicates that this missense variant is not expected to disrupt SCNN1G protein function with a negative predictive value of 80%. In summary, the available evidence is currently insufficient to determine the role of this variant in disease. Therefore, it has been classified as a Variant of Uncertain Significance.

Fulgent Genetics
Classification: Uncertain significance for Bronchiectasis with or without elevated sweat chloride 3; Liddle syndrome 2; Pseudohypoaldosteronism, type IB3, autosomal recessive. Last evaluated: 2024-03-01. Review status: criteria provided, single submitter. Criteria: ACMG Guidelines, 2015. Collection method: clinical testing. Allele origin: germline.

NM_001039.4(SCNN1G):c.263A>G (p.His88Arg)

Gene: SCNN1G (sodium channel epithelial 1 subunit gamma; plus strand). Cytogenetic location: 16p12.2.
Variant type: single nucleotide variant.
Coding change: c.263A>G on transcript NM_001039.4 (MANE Select); coding-DNA position 263, A replaced by G.
Protein change: p.His88Arg; replaces histidine 88 with arginine.
Molecular consequence: missense variant.
Genome position (GRCh38, 1-based): chr16:23,186,534, A>G. VCF-style: chr16-23186534-A-G. GRCh37 (hg19) VCF-style: chr16-23197855-A-G.
Other names: short protein forms H88R.
Identifiers: ClinVar variation 3579890 (VCV003579890.2).